The following is an entry in ClinVar:

NM_025099.6(CTC1):c.2699C>T (p.Ala900Val)

Gene: CTC1 (CST telomere replication complex component 1; minus strand). Cytogenetic location: 17p13.1.
Variant type: single nucleotide variant.
Coding change: c.2699C>T on transcript NM_025099.6 (MANE Select); coding-DNA position 2699, C replaced by T.
Protein change: p.Ala900Val; replaces alanine 900 with valine.
Molecular consequence: missense variant. On other transcripts: non-coding transcript variant (1).
Genome position (GRCh38, 1-based): chr17:8,230,622, G>A on the plus strand (C>T on the coding strand, the complement: CTC1 is on the minus strand). VCF-style: chr17-8230622-G-A. GRCh37 (hg19) VCF-style: chr17-8133940-G-A.
Other names: short protein forms A900V.
Identifiers: ClinVar variation 1384195 (VCV001384195.8), dbSNP rs1408453833, ClinGen allele CA397974592.

ClinVar aggregate classification (germline): Uncertain significance (1 of 4 stars; one submission).

Conditions:
Dyskeratosis congenita. Identifiers: Orphanet 1775, MedGen C0265965, MONDO:0015780.

Allele frequency attached by ClinVar (database versions not stated): gnomAD exomes below 0.00001 and 0.00001.
gnomAD v4.1: 4 of 1,614,196 alleles (0.00025%); highest among the groups gnomAD compares: East Asian, 0.0089%; no homozygotes.

Submission:

Labcorp Genetics (formerly Invitae), Labcorp
Classification: Uncertain significance for Dyskeratosis congenita. Last evaluated: 2023-10-17. Review status: criteria provided, single submitter. Criteria: Invitae Variant Classification Sherloc (09022015). Collection method: clinical testing. Allele origin: germline.
Comment: This sequence change replaces alanine, which is neutral and non-polar, with valine, which is neutral and non-polar, at codon 900 of the CTC1 protein (p.Ala900Val). This variant is present in population databases (no rsID available, gnomAD 0.006%). This variant has not been reported in the literature in individuals affected with CTC1-related conditions. ClinVar contains an entry for this variant (Variation ID: 1384195). Advanced modeling of protein sequence and biophysical properties (such as structural, functional, and spatial information, amino acid conservation, physicochemical variation, residue mobility, and thermodynamic stability) performed at Invitae indicates that this missense variant is expected to disrupt CTC1 protein function. In summary, the available evidence is currently insufficient to determine the role of this variant in disease. Therefore, it has been classified as a Variant of Uncertain Significance.